The following is an entry in ClinVar:

NM_000081.4(LYST):c.4682T>C (p.Ile1561Thr)

Gene: LYST (lysosomal trafficking regulator; minus strand). Cytogenetic location: 1q42.3.
Variant type: single nucleotide variant.
Coding change: c.4682T>C on transcript NM_000081.4 (MANE Select); coding-DNA position 4682, T replaced by C.
Protein change: p.Ile1561Thr; replaces isoleucine 1561 with threonine.
Molecular consequence: missense variant.
Genome position (GRCh38, 1-based): chr1:235,788,707, A>G on the plus strand (T>C on the coding strand, the complement: LYST is on the minus strand). VCF-style: chr1-235788707-A-G. GRCh37 (hg19) VCF-style: chr1-235952007-A-G.
Other names: c.4682T>C, p.Ile1561Thr (NM_001301365.1); short protein forms I1561T.
Identifiers: ClinVar variation 1487971 (VCV001487971.3), dbSNP rs144829166, ClinGen allele CA1466785.
Genomic context (GRCh38, chr1:235,788,707, plus strand): 5'-CACAAATTATTTAAATACATTATCTATTCATGGGAGGCTGAGGATAATCAATACCGAAAG[A>G]TAAGAGTGGCATTGTGGGGATCAGCCCACACTTGGATCATCAACGCTTTGGATCCCAGTG-3'
Protein context (NP_000072.2, residues 1551-1571): VWADPHNATL[Ile1561Thr]FRVCMDSNDD

ClinVar aggregate classification (germline): Uncertain significance (1 of 4 stars; one submission).

Conditions:
Chédiak-Higashi syndrome (CHS). Also called: Chediak-Higashi Syndrome. Identifiers: Orphanet 167, MedGen C0007965, MONDO:0008963, OMIM 214500.

Allele frequency attached by ClinVar (database versions not stated): ExAC 0.00001; gnomAD 0.00002; TOPMed 0.00002; ESP Exome Variant Server 0.00008.
gnomAD v4.1: 5 of 1,613,670 alleles (0.00031%); highest among the groups gnomAD compares: African/African-American, 0.004%; no homozygotes.

Submission:

Labcorp Genetics (formerly Invitae), Labcorp
Classification: Uncertain significance for Chédiak-Higashi syndrome. Last evaluated: 2021-11-10. Review status: criteria provided, single submitter. Criteria: Invitae Variant Classification Sherloc (09022015). Collection method: clinical testing. Allele origin: germline.
Comment: This sequence change replaces isoleucine, which is neutral and non-polar, with threonine, which is neutral and polar, at codon 1561 of the LYST protein (p.Ile1561Thr). This variant is present in population databases (rs144829166, gnomAD 0.007%). This variant has not been reported in the literature in individuals affected with LYST-related conditions. Algorithms developed to predict the effect of missense changes on protein structure and function (SIFT, PolyPhen-2, Align-GVGD) all suggest that this variant is likely to be tolerated. In summary, the available evidence is currently insufficient to determine the role of this variant in disease. Therefore, it has been classified as a Variant of Uncertain Significance.